The following is an entry in ClinVar:

ClinVar aggregate classification (germline): Uncertain significance. Review status: criteria provided, multiple submitters, no conflicts (2 of 4 stars). 3 submissions from 3 submitters: Uncertain significance (3). Last evaluated 2025-02-11.

Conditions:
Long QT syndrome (LQTS). Identifiers: MedGen C0023976, MeSH D008133, MONDO:0002442. Disease mechanism: loss of function. Inheritance: Various modes of inheritance.
Cardiovascular phenotype. Identifiers: MedGen CN230736.

gnomAD v4.1: 8 of 1,613,978 alleles (0.0005%); highest among the groups gnomAD compares: South Asian, 0.0055%; no homozygotes.

Submissions (3):

Labcorp Genetics (formerly Invitae), Labcorp
Classification: Uncertain significance for Long QT syndrome. Last evaluated: 2025-02-11. Review status: criteria provided, single submitter. Criteria: Invitae Variant Classification Sherloc (09022015). Collection method: clinical testing. Allele origin: germline.
Comment: This sequence change replaces glutamic acid, which is acidic and polar, with glutamine, which is neutral and polar, at codon 436 of the AKAP9 protein (p.Glu436Gln). This variant is not present in population databases (gnomAD no frequency). This variant has not been reported in the literature in individuals affected with AKAP9-related conditions. ClinVar contains an entry for this variant (Variation ID: 3389037). An algorithm developed to predict the effect of missense changes on protein structure and function (PolyPhen-2) suggests that this variant is likely to be disruptive. In summary, the available evidence is currently insufficient to determine the role of this variant in disease. Therefore, it has been classified as a Variant of Uncertain Significance.

Ambry Genetics
Classification: Uncertain significance for Cardiovascular phenotype. Last evaluated: 2025-02-04. Review status: criteria provided, single submitter. Criteria: Ambry Variant Classification Scheme 2023. Collection method: clinical testing. Allele origin: germline.
Comment: The p.E436Q variant (also known as c.1306G>C), located in coding exon 8 of the AKAP9 gene, results from a G to C substitution at nucleotide position 1306. The glutamic acid at codon 436 is replaced by glutamine, an amino acid with highly similar properties. This amino acid position is conserved. In addition, this alteration is predicted to be tolerated by in silico analysis. Based on the available evidence, the clinical significance of this variant remains unclear.

CeGaT Center for Human Genetics Tuebingen
Classification: Uncertain significance. Last evaluated: 2024-10-01. Review status: criteria provided, single submitter. Criteria: CeGaT Center For Human Genetics Tuebingen Variant Classification Criteria Version 2. Collection method: clinical testing. Allele origin: germline. Affected: yes. Observed: 1 variant allele.
Comment: AKAP9: PM2, BP4

NM_005751.5(AKAP9):c.1306G>C (p.Glu436Gln)

Gene: AKAP9 (A-kinase anchoring protein 9; plus strand). Cytogenetic location: 7q21.2.
Variant type: single nucleotide variant.
Coding change: c.1306G>C on transcript NM_005751.5 (MANE Select); coding-DNA position 1306, G replaced by C.
Protein change: p.Glu436Gln; replaces glutamic acid 436 with glutamine.
Molecular consequence: missense variant.
Genome position (GRCh38, 1-based): chr7:92,001,223, G>C. VCF-style: chr7-92001223-G-C. GRCh37 (hg19) VCF-style: chr7-91630537-G-C.
Other names: c.1306G>C, p.Glu436Gln (NM_147185.3); short protein forms E436Q.
Identifiers: ClinVar variation 3389037 (VCV003389037.17).
Genomic context (GRCh38, chr7:92,001,223, plus strand): 5'-ACTGATATAGTACAACGAATGGAACAAGAAACACAAAGAAAGTTAGAACAACTCCGGGCA[G>C]AGCTGGATGAGATGTATGGGCAGCAGATAGTGCAAATGAAACAAGAATTAATAAGACAAC-3'
Protein context (NP_005742.4, residues 426-446): TQRKLEQLRA[Glu436Gln]LDEMYGQQIV